The following is an entry in ClinVar:

ClinVar aggregate classification (germline): Uncertain significance. Review status: criteria provided, multiple submitters, no conflicts (2 of 4 stars). 2 submissions from 2 submitters: Uncertain significance (2). Last evaluated 2025-01-07.

Conditions:
Gorlin syndrome. Also called: Nevoid Basal Cell Carcinoma Syndrome; Basal cell nevus syndrome. Identifiers: Orphanet 377, MedGen C0004779, MONDO:0007187.
Medulloblastoma (MDB). Also called: Medulloblastoma, somatic; MEDULLOBLASTOMA PREDISPOSITION SYNDROME. Identifiers: Orphanet 616, MedGen C0025149, MeSH D008527, MONDO:0007959, OMIM 155255, HP:0002885.
Hereditary cancer-predisposing syndrome. Also called: Neoplastic Syndromes, Hereditary; Hereditary neoplastic syndrome; Tumor predisposition; Hereditary Cancer Syndrome. Identifiers: Orphanet 140162, MedGen C0027672, MeSH D009386, MONDO:0015356.

Allele frequency attached by ClinVar (database versions not stated): gnomAD 0.00001.
gnomAD v4.1: 3 of 1,614,090 alleles (0.00019%); highest among the groups gnomAD compares: African/African-American, 0.0013%; no homozygotes.

Submissions (2):

Ambry Genetics
Classification: Uncertain significance for Hereditary cancer-predisposing syndrome. Last evaluated: 2025-01-07. Review status: criteria provided, single submitter. Criteria: Ambry Variant Classification Scheme 2023. Collection method: clinical testing. Allele origin: germline.
Comment: The c.1233G>A variant (also known as p.T411T), located in coding exon 10 of the SUFU gene, results from a G to A substitution at nucleotide position 1233. This nucleotide substitution does not change the Threonine at codon 411. This nucleotide position is not well conserved in available vertebrate species. In silico splice site analysis predicts that this alteration will result in the creation or strengthening of a novel splice acceptor site. RNA studies have demonstrated that this alteration results in an incomplete splice defect; the clinical impact of this abnormal splicing is unknown at this time (Ambry internal data). Based on the available evidence, the clinical significance of this variant remains unclear.

Labcorp Genetics (formerly Invitae), Labcorp
Classification: Uncertain significance for Gorlin syndrome; Medulloblastoma. Last evaluated: 2024-02-13. Review status: criteria provided, single submitter. Criteria: Invitae Variant Classification Sherloc (09022015). Collection method: clinical testing. Allele origin: germline.
Comment: This sequence change affects codon 411 of the SUFU mRNA. It is a 'silent' change, meaning that it does not change the encoded amino acid sequence of the SUFU protein. This variant is present in population databases (no rsID available, gnomAD 0.01%). This variant has not been reported in the literature in individuals affected with SUFU-related conditions. ClinVar contains an entry for this variant (Variation ID: 1947634). Algorithms developed to predict the effect of sequence changes on RNA splicing suggest that this variant may disrupt the consensus splice site. In summary, the available evidence is currently insufficient to determine the role of this variant in disease. Therefore, it has been classified as a Variant of Uncertain Significance.

NM_016169.4(SUFU):c.1233G>A (p.Thr411=)

Gene: SUFU (SUFU negative regulator of hedgehog signaling; plus strand). Cytogenetic location: 10q24.32.
Variant type: single nucleotide variant.
Coding change: c.1233G>A on transcript NM_016169.4 (MANE Select); coding-DNA position 1233, G replaced by A.
Protein change: p.Thr411=; no amino-acid change (threonine 411 retained).
Molecular consequence: synonymous variant.
Genome position (GRCh38, 1-based): chr10:102,617,365, G>A. VCF-style: chr10-102617365-G-A. GRCh37 (hg19) VCF-style: chr10-104377122-G-A.
Other names: c.1233G>A, p.Thr411= (NM_001178133.2).
Identifiers: ClinVar variation 1947634 (VCV001947634.6), dbSNP rs1340478666, ClinGen allele CA471286580.